The following is an entry in ClinVar:

NM_000414.4(HSD17B4):c.1777A>G (p.Thr593Ala)

Gene: HSD17B4 (hydroxysteroid 17-beta dehydrogenase 4; plus strand). Cytogenetic location: 5q23.1.
Variant type: single nucleotide variant.
Coding change: c.1777A>G on transcript NM_000414.4 (MANE Select); coding-DNA position 1777, A replaced by G.
Protein change: p.Thr593Ala; replaces threonine 593 with alanine.
Molecular consequence: missense variant. On other transcripts: non-coding transcript variant (2).
Genome position (GRCh38, 1-based): chr5:119,529,903, A>G. VCF-style: chr5-119529903-A-G. GRCh37 (hg19) VCF-style: chr5-118865598-A-G.
Other names: c.1852A>G, p.Thr618Ala (NM_001199291.3); c.1723A>G, p.Thr575Ala (NM_001199292.2); c.1705A>G, p.Thr569Ala (NM_001292027.2, NM_001374498.1); c.1357A>G, p.Thr453Ala (NM_001292028.2); c.1768A>G, p.Thr590Ala (NM_001374497.1); c.1450A>G, p.Thr484Ala (NM_001374499.1); c.1336A>G, p.Thr446Ala (NM_001374500.1); c.1366A>G, p.Thr456Ala (NM_001374501.1, NM_001374502.1, NM_001374503.1); short protein forms T453A, T569A, T618A, T446A, T456A, T575A, T484A, T590A.
Identifiers: ClinVar variation 5003336 (VCV005003336.1).

ClinVar aggregate classification (germline): Uncertain significance (1 of 4 stars; one submission).

Conditions:
Bifunctional peroxisomal enzyme deficiency (DBIF). Also called: PBFE DEFICIENCY; D-bifunctional protein deficiency; DBP DEFICIENCY. Identifiers: Orphanet 300, MedGen C0342870, MONDO:0009855, OMIM 261515. Disease mechanism: loss of function.

Submission:

Myriad Genetics, Inc.
Classification: Uncertain significance for Bifunctional peroxisomal enzyme deficiency. Last evaluated: 2026-05-15. Review status: criteria provided, single submitter. Criteria: Myriad Autosomal Dominant, Autosomal Recessive and X-Linked Classification Criteria (2023). Collection method: clinical testing. Allele origin: unknown.
Comment: NM_000414.3(HSD17B4):c.1777A>G(T593A) is a missense variant classified as a variant of uncertain significance in the context of HSD17B4-related disorders. T593A has been observed in a case with relevant disease (PMID: 36939041). Relevant functional assessments of this variant are not available in the literature. T593A has not been observed in referenced population frequency databases. In summary, there is insufficient evidence to classify NM_000414.3(HSD17B4):c.1777A>G(T593A) as pathogenic or benign. Please note: this variant was assessed in the context of healthy population screening.

Literature cited by the submitters: PubMed 36939041.